The following is an entry in ClinVar:

ClinVar aggregate classification (germline): Uncertain significance. Review status: criteria provided, multiple submitters, no conflicts (2 of 4 stars). 2 submissions from 2 submitters: Uncertain significance (2). Last evaluated 2026-04-14.

Conditions:
Inborn genetic diseases. Identifiers: MedGen C0950123, MeSH D030342.

gnomAD v4.1: 9 of 1,608,734 alleles (0.00056%); highest among the groups gnomAD compares: Non-Finnish European, 0.00051%; no homozygotes.

Submissions (2):

Ambry Genetics
Classification: Uncertain significance for Inborn genetic diseases. Last evaluated: 2026-04-14. Review status: criteria provided, single submitter. Criteria: Ambry Variant Classification Scheme 2023. Collection method: clinical testing. Allele origin: germline.

GeneDx
Classification: Uncertain significance. Last evaluated: 2024-01-18. Review status: criteria provided, single submitter. Criteria: GeneDx Variant Classification Process June 2021. Collection method: clinical testing. Allele origin: germline. Affected: yes.
Comment: Not observed at significant frequency in large population cohorts (gnomAD); In silico analysis supports that this missense variant has a deleterious effect on protein structure/function; Has not been previously published as pathogenic or benign to our knowledge; This variant is associated with the following publications: (PMID: 33767344)

NM_000540.3(RYR1):c.73G>C (p.Ala25Pro)

Gene: RYR1 (ryanodine receptor 1; plus strand). Cytogenetic location: 19q13.2.
Variant type: single nucleotide variant.
Coding change: c.73G>C on transcript NM_000540.3 (MANE Select); coding-DNA position 73, G replaced by C.
Protein change: p.Ala25Pro; replaces alanine 25 with proline.
Molecular consequence: missense variant.
Genome position (GRCh38, 1-based): chr19:38,440,772, G>C. VCF-style: chr19-38440772-G-C. GRCh37 (hg19) VCF-style: chr19-38931412-G-C.
Other names: c.73G>C, p.Ala25Pro (NM_001042723.2); short protein forms A25P.
Identifiers: ClinVar variation 3368024 (VCV003368024.2).